The following is an entry in ClinVar:

NM_003118.4(SPARC):c.781C>G (p.Pro261Ala)

Genes: SPARC (secreted protein acidic and cysteine rich; minus strand), LOC126807556 (MED14-independent group 3 enhancer GRCh37_chr5:151042798-151043997; plus strand). Cytogenetic location: 5q33.1.
Variant type: single nucleotide variant.
Coding change: c.781C>G on transcript NM_003118.4 (MANE Select); coding-DNA position 781, C replaced by G.
Protein change: p.Pro261Ala; replaces proline 261 with alanine.
Molecular consequence: missense variant.
Genome position (GRCh38, 1-based): chr5:151,664,189, G>C on the plus strand (C>G on the coding strand, the complement: SPARC is on the minus strand). VCF-style: chr5-151664189-G-C. GRCh37 (hg19) VCF-style: chr5-151043750-G-C.
Other names: c.778C>G, p.Pro260Ala (NM_001309443.2); c.781C>G, p.Pro261Ala (NM_001309444.2); short protein forms P260A, P261A.
Identifiers: ClinVar variation 1997204 (VCV001997204.4), dbSNP rs1760576070, ClinGen allele CA361830368.

ClinVar aggregate classification (germline): Uncertain significance (1 of 4 stars; one submission).

Submission:

Labcorp Genetics (formerly Invitae), Labcorp
Classification: Uncertain significance. Last evaluated: 2022-05-30. Review status: criteria provided, single submitter. Criteria: Invitae Variant Classification Sherloc (09022015). Collection method: clinical testing. Allele origin: germline.
Comment: In summary, the available evidence is currently insufficient to determine the role of this variant in disease. Therefore, it has been classified as a Variant of Uncertain Significance. Algorithms developed to predict the effect of missense changes on protein structure and function are either unavailable or do not agree on the potential impact of this missense change (SIFT: "Tolerated"; PolyPhen-2: "Probably Damaging"; Align-GVGD: "Class C0"). This variant has not been reported in the literature in individuals affected with SPARC-related conditions. This variant is not present in population databases (gnomAD no frequency). This sequence change replaces proline, which is neutral and non-polar, with alanine, which is neutral and non-polar, at codon 261 of the SPARC protein (p.Pro261Ala).